The following is an entry in ClinVar:

ClinVar aggregate classification (germline): Likely benign (1 of 4 stars; one submission).

Conditions:
Breast-ovarian cancer, familial, susceptibility to, 1 (BROVCA1). Also called: OVARIAN CANCER, SUSCEPTIBILITY TO; BRCA1 Hereditary Breast and Ovarian Cancer. Identifiers: Orphanet 145, MedGen C2676676, MONDO:0011450, OMIM 604370. Disease mechanism: loss of function.

gnomAD v4.1: 1 of 1,614,254 alleles (0.000062%); highest among the groups gnomAD compares: South Asian, 0.0011%; no homozygotes.

Submission:

Cancer Bioinformatics and Tumour Evolution Laboratory, Monash University
Classification: Likely benign for Breast-ovarian cancer, familial, susceptibility to, 1. Last evaluated: 2026-05-01. Review status: criteria provided, single submitter. Criteria: ClinGen BRCA1 and BRCA2 Guidelines, 2024. Collection method: curation. Allele origin: germline. Inheritance: Autosomal dominant inheritance.
Comment: Missense variant outside of a functional domain with no splice impact. BRCA1 and BRCA2 VCEP guidelines recommend application of BP1_Strong (PMID: 39142283)

NM_007294.4(BRCA1):c.3888T>G (p.Phe1296Leu)

Genes: BRCA1 (BRCA1 DNA repair associated; minus strand), LOC126862571 (BRD4-independent group 4 enhancer GRCh37_chr17:41243136-41244335; plus strand). Cytogenetic location: 17q21.31.
Variant type: single nucleotide variant.
Coding change: c.3888T>G on transcript NM_007294.4 (MANE Select); coding-DNA position 3888, T replaced by G.
Protein change: p.Phe1296Leu; replaces phenylalanine 1296 with leucine.
Molecular consequence: missense variant. On other transcripts: intron variant (135).
Genome position (GRCh38, 1-based): chr17:43,091,643, A>C on the plus strand (T>G on the coding strand, the complement: BRCA1 is on the minus strand). VCF-style: chr17-43091643-A-C. GRCh37 (hg19) VCF-style: chr17-41243660-A-C.
Other names: c.785-611T>G (NM_001408407.1, NM_001408402.1, NM_001408473.1 and 13 more transcripts); c.665-611T>G (NM_001408443.1, NM_001408439.1, NM_001408425.1 and 12 more transcripts); c.671-611T>G (NM_001408419.1, NM_001408422.1, NM_001408418.1 and 2 more transcripts); c.788-611T>G (NM_001408403.1, NM_001407983.1, NM_001407975.1 and 17 more transcripts); c.791-620T>G (NM_001408406.1); c.647-611T>G (NM_001408456.1, NM_001408410.1, NM_001408458.1 and 11 more transcripts); c.644-611T>G (NM_001408465.1, NM_001408463.1, NM_001408462.1 and 3 more transcripts); c.578-611T>G (NM_001408482.1, NM_001408484.1, NM_001408478.1 and 9 more transcripts); and 41 more; short protein forms F1000L, F1128L, F1168L, F1169L, F1184L, F1185L, F1207L, F1208L.
Identifiers: ClinVar variation 4856470 (VCV004856470.1).